The following is an entry in ClinVar:

NM_000059.4(BRCA2):c.2939A>G (p.Asp980Gly)

Gene: BRCA2 (BRCA2 DNA repair associated; plus strand). Cytogenetic location: 13q13.1.
Variant type: single nucleotide variant.
Coding change: c.2939A>G on transcript NM_000059.4 (MANE Select); coding-DNA position 2939, A replaced by G.
Protein change: p.Asp980Gly; replaces aspartic acid 980 with glycine.
Molecular consequence: missense variant.
Genome position (GRCh38, 1-based): chr13:32,337,294, A>G. VCF-style: chr13-32337294-A-G. GRCh37 (hg19) VCF-style: chr13-32911431-A-G.
Other names: short protein forms D980G.
Identifiers: ClinVar variation 491229 (VCV000491229.20), dbSNP rs1250767974, ClinGen allele CA387774296.
Genomic context (GRCh38, chr13:32,337,294, plus strand): 5'-AGCAGCATATAAAAATGACTCTAGGTCAAGATTTAAAATCGGACATCTCCTTGAATATAG[A>G]TAAAATACCAGAAAAAAATAATGATTACATGAACAAATGGGCAGGACTCTTAGGTCCAAT-3'
Protein context (NP_000050.3, residues 970-990): DLKSDISLNI[Asp980Gly]KIPEKNNDYM

ClinVar aggregate classification (germline): Conflicting classifications of pathogenicity. Review status: criteria provided, conflicting classifications (1 of 4 stars). 5 submissions from 5 submitters: Uncertain significance (4); Likely benign (1). Last evaluated 2025-07-09.

Conditions:
Hereditary breast ovarian cancer syndrome. Also called: Hereditary breast and/or ovarian cancer syndrome; BRCA1- and BRCA2-Associated Hereditary Breast and Ovarian Cancer; Breast and ovarian cancer; Hereditary breast and ovarian cancer; Hereditary breast and ovarian cancer syndrome; Hereditary breast and ovarian cancer syndrome (HBOC). Identifiers: Orphanet 145, MedGen C0677776, MeSH D061325, MONDO:0003582. Disease mechanism: loss of function.
Hereditary cancer-predisposing syndrome. Also called: Hereditary neoplastic syndrome; Tumor predisposition; Hereditary Cancer Syndrome; Neoplastic Syndromes, Hereditary. Identifiers: Orphanet 140162, MedGen C0027672, MeSH D009386, MONDO:0015356.

Allele frequency attached by ClinVar (database versions not stated): gnomAD exomes below 0.00001.
gnomAD v4.1: 2 of 1,612,638 alleles (0.00012%); highest among the groups gnomAD compares: Middle Eastern, 0.017%; no homozygotes.

Submissions (5):

Ambry Genetics
Classification: Uncertain significance for Hereditary cancer-predisposing syndrome. Last evaluated: 2025-07-09. Review status: criteria provided, single submitter. Criteria: Ambry Variant Classification Scheme 2023. Collection method: clinical testing. Allele origin: germline.
Comment: The p.D980G variant (also known as c.2939A>G), located in coding exon 10 of the BRCA2 gene, results from an A to G substitution at nucleotide position 2939. The aspartic acid at codon 980 is replaced by glycine, an amino acid with similar properties. This amino acid position is not well conserved in available vertebrate species. In addition, this alteration is predicted to be tolerated by in silico analysis. Since supporting evidence is limited at this time, the clinical significance of this alteration remains unclear.

Labcorp Genetics (formerly Invitae), Labcorp
Classification: Uncertain significance for Hereditary breast ovarian cancer syndrome. Last evaluated: 2025-05-29. Review status: criteria provided, single submitter. Criteria: Invitae Variant Classification Sherloc (09022015). Collection method: clinical testing. Allele origin: germline.
Comment: This sequence change replaces aspartic acid, which is acidic and polar, with glycine, which is neutral and non-polar, at codon 980 of the BRCA2 protein (p.Asp980Gly). This variant is present in population databases (no rsID available, gnomAD 0.0009%). This variant has not been reported in the literature in individuals affected with BRCA2-related conditions. ClinVar contains an entry for this variant (Variation ID: 491229). Invitae Evidence Modeling of protein sequence and biophysical properties (such as structural, functional, and spatial information, amino acid conservation, physicochemical variation, residue mobility, and thermodynamic stability) indicates that this missense variant is not expected to disrupt BRCA2 protein function with a negative predictive value of 95%. In summary, the available evidence is currently insufficient to determine the role of this variant in disease. Therefore, it has been classified as a Variant of Uncertain Significance.

University of Washington Department of Laboratory Medicine, University of Washington
Classification: Likely benign for Hereditary cancer-predisposing syndrome. Last evaluated: 2023-03-23. Review status: criteria provided, single submitter. Criteria: Dines et al. (Genet Med. 2020). Collection method: curation. Allele origin: germline.
Comment: Missense variant in a coldspot region where missense variants are very unlikely to be pathogenic (PMID:31911673).

BRCA2 exon 11 coldspot. Reclassification based on statistical prior probability.

GeneDx
Classification: Uncertain significance. Last evaluated: 2019-11-12. Review status: criteria provided, single submitter. Criteria: GeneDx Variant Classification Process June 2021. Collection method: clinical testing. Allele origin: germline. Affected: yes.
Comment: Has not been previously published as pathogenic or benign to our knowledge; Not observed at a significant frequency in large population cohorts (Lek 2016); In silico analysis, which includes protein predictors and evolutionary conservation, supports a deleterious effect; Also known as 3167A>G

Color Diagnostics, LLC DBA Color Health
Classification: Uncertain significance for Hereditary cancer-predisposing syndrome. Last evaluated: 2019-05-30. Review status: criteria provided, single submitter. Criteria: ACMG Guidelines, 2015. Collection method: clinical testing. Allele origin: germline.